The following is an entry in ClinVar:

NM_015662.3(IFT172):c.5020C>G (p.Leu1674Val)

Genes: IFT172 (intraflagellar transport 172; minus strand), KRTCAP3 (keratinocyte associated protein 3; plus strand). Cytogenetic location: 2p23.3.
Variant type: single nucleotide variant.
Coding change: c.5020C>G on transcript NM_015662.3 (MANE Select); coding-DNA position 5020, C replaced by G.
Protein change: p.Leu1674Val; replaces leucine 1674 with valine.
Molecular consequence: missense variant. On other transcripts: intron variant (1).
Genome position (GRCh38, 1-based): chr2:27,445,344, G>C on the plus strand (C>G on the coding strand, the complement: IFT172 is on the minus strand). VCF-style: chr2-27445344-G-C. GRCh37 (hg19) VCF-style: chr2-27668211-G-C.
Other names: c.4954C>G, p.Leu1652Val (NM_001410739.1); c.*6-957G>C (NM_001168364.2); c.5020C>G (NM_015662.2); short protein forms L1674V, L1652V.
Identifiers: ClinVar variation 3586278 (VCV003586278.2).
Genomic context (GRCh38, chr2:27,445,344, plus strand): 5'-AGGCTTCTATACCTGTAATAAGGCAGGGCAGGGCTCGAACACCAGTGCTCGCTGCCACTA[G>C]GGAGGCCTCGTAGGCGCCACGCTCATCCCGAGGCAGAACCTGCTCCAGCCGCTGGTCCAT-3'
Protein context (NP_056477.1, residues 1664-1684): RDERGAYEAS[Leu1674Val]VAASTGVRAL

ClinVar aggregate classification (germline): Uncertain significance. Review status: criteria provided, multiple submitters, no conflicts (2 of 4 stars). 2 submissions from 2 submitters: Uncertain significance (2). Last evaluated 2026-07-28.

Conditions:
Short-rib thoracic dysplasia 10 with or without polydactyly (SRTD10). Identifiers: Orphanet 474, MedGen C3810175, MONDO:0014284, OMIM 615630.
Retinitis pigmentosa 71 (RP71). Identifiers: Orphanet 791, MedGen C4225342, MONDO:0014618, OMIM 616394.
Bardet-Biedl syndrome 20. Identifiers: MedGen C4310707, MONDO:0023670, OMIM 619471, MONDO:0014926.
IFT172-related disorder. Also called: IFT172-related condition; IFT172-related disorders.

gnomAD v4.1: 1 of 1,613,474 alleles (0.000062%); no homozygotes.

Submissions (2):

PreventionGenetics, part of Exact Sciences
Classification: Uncertain significance for IFT172-related condition. Last evaluated: 2026-07-28. Review status: criteria provided, single submitter. Criteria: ACMG Guidelines, 2015. Collection method: clinical testing. Allele origin: germline.
Comment: The IFT172 c.5020C>G variant is predicted to result in the amino acid substitution p.Leu1674Val. To our knowledge, this variant has not been reported in the literature. This variant is reported in 0.0% of alleles in individuals of African descent in gnomAD. At this time, the clinical significance of this variant is uncertain due to the absence of conclusive functional and genetic evidence.

Fulgent Genetics
Classification: Uncertain significance for Short-rib thoracic dysplasia 10 with or without polydactyly; Retinitis pigmentosa 71; Bardet-Biedl syndrome 20. Last evaluated: 2024-02-12. Review status: criteria provided, single submitter. Criteria: ACMG Guidelines, 2015. Collection method: clinical testing. Allele origin: germline.